The following is an entry in ClinVar:

NM_002661.5(PLCG2):c.3545_3570+7dup

Gene: PLCG2 (phospholipase C gamma 2; plus strand). Cytogenetic location: 16q23.3.
Variant type: Duplication.
Coding change: c.3545_3570+7dup on transcript NM_002661.5 (MANE Select); coding-DNA position 3545 through 7 bases into the intron after coding-DNA position 3570, 33 bases duplicated.
Molecular consequence: splice donor variant.
Genome position (GRCh38, 1-based): chr16:81,946,238-81,946,270, 33 bases duplicated; duplicating any 33 consecutive bases within chr16:81,946,237-81,946,270 gives the same sequence; the c. name uses the placement nearest the transcript's 3' end. GRCh37 (hg19): chr16:81,979,843-81,979,875.
Identifiers: ClinVar variation 2796204 (VCV002796204.3), dbSNP rs1471384890, ClinGen allele CA623773848.

ClinVar aggregate classification (germline): Uncertain significance (1 of 4 stars; one submission).

Conditions:
Familial cold autoinflammatory syndrome 3 (FCAS3). Also called: ANTIBODY DEFICIENCY AND IMMUNE DYSREGULATION, PLCG2-ASSOCIATED; FAMILIAL ATYPICAL COLD URTICARIA. Identifiers: Orphanet 300359, MedGen C3280914, MONDO:0013766, OMIM 614468.

Submission:

Labcorp Genetics (formerly Invitae), Labcorp
Classification: Uncertain significance for Familial cold autoinflammatory syndrome 3. Last evaluated: 2025-07-22. Review status: criteria provided, single submitter. Criteria: Invitae Variant Classification Sherloc (09022015). Collection method: clinical testing. Allele origin: germline.
Comment: This sequence change falls in intron 31 of the PLCG2 gene. It does not directly change the encoded amino acid sequence of the PLCG2 protein. This variant is present in population databases (no rsID available, gnomAD 0.0009%). This variant has not been reported in the literature in individuals affected with PLCG2-related conditions. ClinVar contains an entry for this variant (Variation ID: 2796204). In summary, the available evidence is currently insufficient to determine the role of this variant in disease. Therefore, it has been classified as a Variant of Uncertain Significance.